The following is an entry in ClinVar:

NM_003072.5(SMARCA4):c.3547-11T>C

Gene: SMARCA4 (SWI/SNF related BAF chromatin remodeling complex subunit ATPase 4; plus strand). Cytogenetic location: 19p13.2.
Variant type: single nucleotide variant.
Coding change: c.3547-11T>C on transcript NM_003072.5 (MANE Select); 11 bases into the intron before coding-DNA position 3547, T replaced by C.
Molecular consequence: intron variant.
Genome position (GRCh38, 1-based): chr19:11,033,279, T>C. VCF-style: chr19-11033279-T-C. GRCh37 (hg19) VCF-style: chr19-11143955-T-C.
Other names: c.3547-11T>C (NM_001128844.3, NM_001128849.3, NM_001128847.4 and 5 more transcripts).
Identifiers: ClinVar variation 328033 (VCV000328033.32), dbSNP rs190104006, ClinGen allele CA9204466.

ClinVar aggregate classification (germline): Benign/Likely benign. Review status: criteria provided, multiple submitters, no conflicts (2 of 4 stars). 10 submissions from 10 submitters: Benign (8); Likely benign (1). 1 of the submissions does not count toward it. Last evaluated 2026-07-14.

Conditions:
Rhabdoid tumor predisposition syndrome 2 (RTPS2). Identifiers: Orphanet 231108, Orphanet 69077, MedGen C2750074, MONDO:0013224, OMIM 613325.
Intellectual disability, autosomal dominant 16 (CSS4). Also called: COFFIN-SIRIS SYNDROME 4. Identifiers: Orphanet 1465, MedGen C3553249, MONDO:0013821, OMIM 614609.
Coffin-Siris syndrome. Identifiers: Orphanet 1465, MedGen C0265338, MONDO:0015452.
Hereditary nonpolyposis colon cancer (HNPCC). Also called: Hereditary nonpolyposis colorectal cancer; Familial nonpolyposis colon cancer; Hereditary Nonpolyposis Colorectal Cancer Syndrome. Identifiers: Orphanet 443909, MedGen C1333990, MONDO:0018630. Disease mechanism: loss of function.
Malignant tumor of breast. Also called: Malignant breast neoplasm; Cancer breast. Identifiers: MedGen C0006142, MONDO:0007254. Disease mechanism: loss of function.

Allele frequency attached by ClinVar (database versions not stated): ESP Exome Variant Server 0.00300; 1000 Genomes Project 0.00419; ExAC 0.00763; gnomAD exomes 0.00821 and 0.00418; gnomAD 0.00401 and 0.00408; 1000 Genomes Project 30x 0.00437; TOPMed 0.00526.
gnomAD v4.1: 6,620 of 1,609,786 alleles (0.41%); highest among the groups gnomAD compares: Admixed American, 3%; 50 homozygotes.

Submissions (17):

Myriad Genetics, Inc.
Classification: Benign for Rhabdoid tumor predisposition syndrome 2. Last evaluated: 2026-07-14. Review status: criteria provided, single submitter. Criteria: Myriad Autosomal Dominant, Autosomal Recessive and X-Linked Classification Criteria (2023). Collection method: clinical testing. Allele origin: unknown.
Comment: This variant is considered benign. This variant is intronic and is not expected to impact mRNA splicing. This variant has been observed at a population frequency that is significantly greater than expected given the associated disease prevalence and penetrance.

Labcorp Genetics (formerly Invitae), Labcorp
Classification: Benign for Rhabdoid tumor predisposition syndrome 2. Last evaluated: 2026-02-04. Review status: criteria provided, single submitter. Criteria: Invitae Variant Classification Sherloc (09022015). Collection method: clinical testing. Allele origin: germline.

ARUP Laboratories, Molecular Genetics and Genomics, ARUP Laboratories
Classification: Benign. Last evaluated: 2025-05-27. Review status: criteria provided, single submitter. Criteria: ARUP Molecular Germline Variant Investigation Process 2024. Collection method: clinical testing. Allele origin: germline.

Department of Pathology and Laboratory Medicine, Sinai Health System
Classification: Benign for hereditary nonpolyposis colon cancer. Last evaluated: 2022-06-20. Review status: criteria provided, single submitter. Criteria: ACMG Guidelines, 2015. Collection method: clinical testing. Allele origin: germline. Affected: yes.

Fulgent Genetics
Classification: Likely benign for Rhabdoid tumor predisposition syndrome 2; Intellectual disability, autosomal dominant 16. Last evaluated: 2022-01-13. Review status: criteria provided, single submitter. Criteria: ACMG Guidelines, 2015. Collection method: clinical testing. Allele origin: unknown.

Genome-Nilou Lab
Classification: Benign for Intellectual disability, autosomal dominant 16. Last evaluated: 2021-07-15. Review status: criteria provided, single submitter. Criteria: ACMG Guidelines, 2015. Collection method: clinical testing. Allele origin: germline. Affected: no.

Illumina Laboratory Services, Illumina
Classification: Benign for Coffin-Siris syndrome. Last evaluated: 2018-01-13. Review status: criteria provided, single submitter. Criteria: ICSL Variant Classification Criteria 13 December 2019. Collection method: clinical testing. Allele origin: germline.
Comment: This variant was observed in the ICSL laboratory as part of a predisposition screen in an ostensibly healthy population. It had not been previously curated by ICSL or reported in the Human Gene Mutation Database (HGMD: prior to June 1st, 2018), and was therefore a candidate for classification through an automated scoring system. Utilizing variant allele frequency, disease prevalence and penetrance estimates, and inheritance mode, an automated score was calculated to assess if this variant is too frequent to cause the disease. Based on the score and internal cut-off values, a variant classified as benign is not then subjected to further curation. The score for this variant resulted in a classification of benign for this disease.

GeneDx
Classification: Benign. Last evaluated: 2017-12-15. Review status: criteria provided, single submitter. Criteria: GeneDx Variant Classification (06012015). Collection method: clinical testing. Allele origin: germline. Affected: yes.
Comment: This variant is considered likely benign or benign based on one or more of the following criteria: it is a conservative change, it occurs at a poorly conserved position in the protein, it is predicted to be benign by multiple in silico algorithms, and/or has population frequency not consistent with disease.

Breakthrough Genomics
Classification: Benign. Review status: criteria provided, single submitter. Criteria: ACMG Guidelines, 2015. Collection method: not provided. Allele origin: germline. Inheritance: Autosomal dominant inheritance. Affected: yes.

Center of Medical Genetics and Primary Health Care
Classification: Benign for Breast Cancer. Review status: no assertion criteria provided. Collection method: clinical testing. Allele origin: germline. Affected: yes. Not counted in ClinVar's aggregate classification.

Dr. Peter K. Rogan Lab, Western University
No classification provided (evidence only). Condition: Acute myeloid leukemia. Review status: no classification provided. Collection method: in vitro. Allele origin: not applicable. Functional consequence: retained intron. Not counted in ClinVar's aggregate classification.

Dr. Peter K. Rogan Lab, Western University
No classification provided (evidence only). Condition: Acute myeloid leukemia. Review status: no classification provided. Collection method: in vitro. Allele origin: not applicable. Functional consequence: retained intron. Not counted in ClinVar's aggregate classification.

Dr. Peter K. Rogan Lab, Western University
No classification provided (evidence only). Condition: Thymoma. Review status: no classification provided. Collection method: in vitro. Allele origin: not applicable. Functional consequence: retained intron. Not counted in ClinVar's aggregate classification.

Dr. Peter K. Rogan Lab, Western University
No classification provided (evidence only). Condition: Ovarian serous cystadenocarcinoma. Review status: no classification provided. Collection method: in vitro. Allele origin: not applicable. Functional consequence: retained intron. Not counted in ClinVar's aggregate classification.

Dr. Peter K. Rogan Lab, Western University
No classification provided (evidence only). Condition: Ovarian serous cystadenocarcinoma. Review status: no classification provided. Collection method: in vitro. Allele origin: not applicable. Functional consequence: retained intron. Not counted in ClinVar's aggregate classification.

Dr. Peter K. Rogan Lab, Western University
No classification provided (evidence only). Condition: Ovarian serous cystadenocarcinoma. Review status: no classification provided. Collection method: in vitro. Allele origin: not applicable. Functional consequence: retained intron. Not counted in ClinVar's aggregate classification.

Dr. Peter K. Rogan Lab, Western University
No classification provided (evidence only). Condition: Gastric cancer. Review status: no classification provided. Collection method: in vitro. Allele origin: not applicable. Functional consequence: retained intron. Not counted in ClinVar's aggregate classification.